The following is an entry in ClinVar:

NM_004415.4(DSP):c.6732C>T (p.Asp2244=)

Gene: DSP (desmoplakin; plus strand). Cytogenetic location: 6p24.3.
Variant type: single nucleotide variant.
Coding change: c.6732C>T on transcript NM_004415.4 (MANE Select); coding-DNA position 6732, C replaced by T.
Protein change: p.Asp2244=; no amino-acid change (aspartic acid 2244 retained).
Molecular consequence: synonymous variant.
Genome position (GRCh38, 1-based): chr6:7,583,994, C>T. VCF-style: chr6-7583994-C-T. GRCh37 (hg19) VCF-style: chr6-7584227-C-T.
Other names: c.4935C>T, p.Asp1645= (NM_001008844.3); c.5403C>T, p.Asp1801= (NM_001319034.2); c.6732C>T (NM_004415.3).
Identifiers: ClinVar variation 920235 (VCV000920235.16), dbSNP rs764124433, ClinGen allele CA048315.

ClinVar aggregate classification (germline): Likely benign. Review status: criteria provided, multiple submitters, no conflicts (2 of 4 stars). 6 submissions from 6 submitters: Likely benign (5). 1 of the submissions does not count toward it. Last evaluated 2026-07-01.

Conditions:
DSP-related disorder. Also called: DSP-related disorders; DSP-related condition.
Cardiovascular phenotype. Identifiers: MedGen CN230736.
Arrhythmogenic right ventricular dysplasia 8 (ARVD8). Also called: ARRHYTHMOGENIC RIGHT VENTRICULAR DYSPLASIA, FAMILIAL, 8; ARRHYTHMOGENIC RIGHT VENTRICULAR CARDIOMYOPATHY 8; Arrhythmogenic Right Ventricular Dysplasia/Cardiomyopathy 8. Identifiers: MedGen C1843896, MONDO:0011831, OMIM 607450.
Arrhythmogenic cardiomyopathy with wooly hair and keratoderma. Also called: PALMOPLANTAR KERATODERMA WITH LEFT VENTRICULAR CARDIOMYOPATHY AND WOOLLY HAIR; Carvajal syndrome; Dilated cardiomyopathy with woolly hair and keratoderma; Arrhythmogenic cardiomyopathy with woolly hair and keratoderma. Identifiers: Orphanet 65282, MedGen C1854063, MONDO:0011581, OMIM 605676.
Cardiomyopathy (CMYO). Also called: Cardiomyopathies. Identifiers: Orphanet 167848, MedGen C0878544, MONDO:0004994, HP:0001638. Inheritance: Various modes of inheritance.

Allele frequency attached by ClinVar (database versions not stated): gnomAD 0.00002; TOPMed 0.00002.
gnomAD v4.1: 12 of 1,613,966 alleles (0.00074%); highest among the groups gnomAD compares: Admixed American, 0.01%; no homozygotes.

Submissions (6):

CeGaT Center for Human Genetics Tuebingen
Classification: Likely benign. Last evaluated: 2026-07-01. Review status: criteria provided, single submitter. Criteria: CeGaT Center For Human Genetics Tuebingen Variant Classification Criteria Version 2. Collection method: clinical testing. Allele origin: germline. Affected: yes. Observed: 1 variant allele.
Comment: DSP: BP4, BP7

Labcorp Genetics (formerly Invitae), Labcorp
Classification: Likely benign for Arrhythmogenic cardiomyopathy with wooly hair and keratoderma; Arrhythmogenic right ventricular dysplasia 8. Last evaluated: 2025-10-01. Review status: criteria provided, single submitter. Criteria: Invitae Variant Classification Sherloc (09022015). Collection method: clinical testing. Allele origin: germline.

Ambry Genetics
Classification: Likely benign for Cardiovascular phenotype. Last evaluated: 2025-05-30. Review status: criteria provided, single submitter. Criteria: Ambry Variant Classification Scheme 2023. Collection method: clinical testing. Allele origin: germline.

All of Us Research Program, National Institutes of Health
Classification: Likely benign for Arrhythmogenic cardiomyopathy with wooly hair and keratoderma. Last evaluated: 2023-12-18. Review status: criteria provided, single submitter. Criteria: ACMG Guidelines, 2015. Collection method: clinical testing. Allele origin: germline. Inheritance: Autosomal dominant inheritance. Observed: 1 variant allele, 1 heterozygote.
Comment: This study involves interpretation of variants in research participants for the purpose of population health screening. Participant phenotype was not available at the time of variant classification. Additional details can be found in publication PMID: 35346344, PMCID: PMC8962531

Color Diagnostics, LLC DBA Color Health
Classification: Likely benign for Cardiomyopathy. Last evaluated: 2018-11-18. Review status: criteria provided, single submitter. Criteria: ACMG Guidelines, 2015. Collection method: clinical testing. Allele origin: germline.

PreventionGenetics, part of Exact Sciences
Classification: Likely benign for DSP-related condition. Last evaluated: 2024-02-08. Review status: no assertion criteria provided. Collection method: clinical testing. Allele origin: germline. Not counted in ClinVar's aggregate classification.
Comment: This variant is classified as likely benign based on ACMG/AMP sequence variant interpretation guidelines (Richards et al. 2015 PMID: 25741868, with internal and published modifications).